The following is an entry in ClinVar:

NC_000023.10:g.(?_107868915)_(107869599_?)del

Gene: COL4A5 (collagen type IV alpha 5 chain; plus strand). Cytogenetic location: Xq22.3.
Variant type: Deletion.
Identifiers: ClinVar variation 1455032 (VCV001455032.4).

ClinVar aggregate classification (germline): Pathogenic (1 of 4 stars; one submission).

Submission:

Labcorp Genetics (formerly Invitae), Labcorp
Classification: Pathogenic. Last evaluated: 2021-09-15. Review status: criteria provided, single submitter. Criteria: Invitae Variant Classification Sherloc (09022015). Collection method: clinical testing. Allele origin: germline.
Comment: For these reasons, this variant has been classified as Pathogenic. A similar copy number variant has been observed in individual(s) with Alport syndrome (PMID: 16941480, 26809805, 30968591). This variant is a gross deletion of the genomic region encompassing exon(s) 35-36 of the COL4A5 gene. This deletion is out-of-frame, and is expected to create a premature termination codon and result in an absent or disrupted protein product. Loss-of-function variants in COL4A5 are known to be pathogenic (PMID: 9195222, 10752524, 14514738, 24854265, 26809805).

Literature cited by the submitters: PubMed 16941480; PubMed 26809805; PubMed 30968591; PubMed 9195222; PubMed 10752524; PubMed 14514738; PubMed 24854265.